The following is an entry in ClinVar:

ClinVar aggregate classification (germline): Uncertain significance. Review status: criteria provided, multiple submitters, no conflicts (2 of 4 stars). 3 submissions from 3 submitters: Uncertain significance (3). Last evaluated 2025-05-12.

Conditions:
Inborn genetic diseases. Identifiers: MedGen C0950123, MeSH D030342.
COG4-congenital disorder of glycosylation. Also called: COG4-CDG; CONGENITAL DISORDER OF GLYCOSYLATION, TYPE IIj; CDG IIj. Identifiers: Orphanet 263501, MedGen C4303552, MONDO:0013281, OMIM 613489.

Allele frequency attached by ClinVar (database versions not stated): gnomAD 0.00002; TOPMed 0.00004; ExAC 0.00007; gnomAD exomes 0.00010.
gnomAD v4.1: 64 of 1,613,620 alleles (0.004%); highest among the groups gnomAD compares: East Asian, 0.025%; no homozygotes.

Submissions (3):

Labcorp Genetics (formerly Invitae), Labcorp
Classification: Uncertain significance for COG4-congenital disorder of glycosylation. Last evaluated: 2025-05-12. Review status: criteria provided, single submitter. Criteria: Invitae Variant Classification Sherloc (09022015). Collection method: clinical testing. Allele origin: germline.
Comment: This sequence change replaces valine, which is neutral and non-polar, with isoleucine, which is neutral and non-polar, at codon 634 of the COG4 protein (p.Val634Ile). This variant is present in population databases (rs772560552, gnomAD 0.06%). This variant has not been reported in the literature in individuals affected with COG4-related conditions. ClinVar contains an entry for this variant (Variation ID: 1216055). Invitae Evidence Modeling of protein sequence and biophysical properties (such as structural, functional, and spatial information, amino acid conservation, physicochemical variation, residue mobility, and thermodynamic stability) indicates that this missense variant is not expected to disrupt COG4 protein function with a negative predictive value of 80%. In summary, the available evidence is currently insufficient to determine the role of this variant in disease. Therefore, it has been classified as a Variant of Uncertain Significance.

Ambry Genetics
Classification: Uncertain significance for Inborn genetic diseases. Last evaluated: 2024-12-17. Review status: criteria provided, single submitter. Criteria: Ambry Variant Classification Scheme 2023. Collection method: clinical testing. Allele origin: germline.

GeneDx
Classification: Uncertain significance. Last evaluated: 2022-05-11. Review status: criteria provided, single submitter. Criteria: GeneDx Variant Classification Process June 2021. Collection method: clinical testing. Allele origin: germline. Affected: yes.
Comment: In silico analysis supports that this missense variant does not alter protein structure/function; Has not been previously reported as a pathogenic or benign germline variant to our knowledge; This variant is associated with the following publications: (PMID: 27586204)

NM_015386.3(COG4):c.1900G>A (p.Val634Ile)

Gene: COG4 (component of oligomeric golgi complex 4; minus strand). Cytogenetic location: 16q22.1.
Variant type: single nucleotide variant.
Coding change: c.1900G>A on transcript NM_015386.3 (MANE Select); coding-DNA position 1900, G replaced by A.
Protein change: p.Val634Ile; replaces valine 634 with isoleucine.
Molecular consequence: missense variant. On other transcripts: non-coding transcript variant (1).
Genome position (GRCh38, 1-based): chr16:70,482,749, C>T on the plus strand (G>A on the coding strand, the complement: COG4 is on the minus strand). VCF-style: chr16-70482749-C-T. GRCh37 (hg19) VCF-style: chr16-70516652-C-T.
Other names: c.1825G>A, p.Val609Ile (NM_001195139.2); c.1474G>A, p.Val492Ile (NM_001365426.1); short protein forms V492I, V609I, V634I.
Identifiers: ClinVar variation 1216055 (VCV001216055.11), dbSNP rs772560552, ClinGen allele CA8144147.
Genomic context (GRCh38, chr16:70,482,749, plus strand): 5'-GGGTCATCGGGGCTTGATGGCTGCCTGTGGCCAGGCTAACCTCCTCGATGTTGTGGGAGA[C>T]GGAGAAAAAGCTGTTGATCCAAGGCTGCACCTGTGGCTTGATGGCTGTGCTGTTGAGCTC-3'
Protein context (NP_056201.2, residues 624-644): VQPWINSFFS[Val634Ile]SHNIEEEEFN